The following is an entry in ClinVar:

ClinVar aggregate classification (germline): Uncertain significance. Review status: criteria provided, multiple submitters, no conflicts (2 of 4 stars). 2 submissions from 2 submitters: Uncertain significance (2). Last evaluated 2025-08-04.

Allele frequency attached by ClinVar (database versions not stated): gnomAD exomes below 0.00001; ExAC 0.00001; TOPMed 0.00001; gnomAD 0.00003; ESP Exome Variant Server 0.00008.

Submissions (2):

Ambry Genetics
Classification: Uncertain significance. Last evaluated: 2025-08-04. Review status: criteria provided, single submitter. Criteria: Ambry Variant Classification Scheme 2023. Collection method: clinical testing. Allele origin: germline.

Labcorp Genetics (formerly Invitae), Labcorp
Classification: Uncertain significance. Last evaluated: 2020-09-09. Review status: criteria provided, single submitter. Criteria: Invitae Variant Classification Sherloc (09022015). Collection method: clinical testing. Allele origin: germline.
Comment: This sequence change replaces glutamine with glutamic acid at codon 261 of the FAM175A protein (p.Gln261Glu). The glutamine residue is moderately conserved and there is a small physicochemical difference between glutamine and glutamic acid. This variant is present in population databases (rs373605348, ExAC 0.01%). This variant has not been reported in the literature in individuals with FAM175A-related disease. Algorithms developed to predict the effect of missense changes on protein structure and function (SIFT, PolyPhen-2, Align-GVGD) all suggest that this variant is likely to be tolerated, but these predictions have not been confirmed by published functional studies and their clinical significance is uncertain. In summary, the available evidence is currently insufficient to determine the role of this variant in disease. Therefore, it has been classified as a Variant of Uncertain Significance.

NM_139076.3(ABRAXAS1):c.781C>G (p.Gln261Glu)

Gene: ABRAXAS1 (abraxas 1, BRCA1 A complex subunit; minus strand). Cytogenetic location: 4q21.23.
Variant type: single nucleotide variant.
Coding change: c.781C>G on transcript NM_139076.3 (MANE Select); coding-DNA position 781, C replaced by G.
Protein change: p.Gln261Glu; replaces glutamine 261 with glutamic acid.
Molecular consequence: missense variant.
Genome position (GRCh38, 1-based): chr4:83,463,509, G>C on the plus strand (C>G on the coding strand, the complement: ABRAXAS1 is on the minus strand). VCF-style: chr4-83463509-G-C. GRCh37 (hg19) VCF-style: chr4-84384662-G-C.
Other names: c.454C>G, p.Gln152Glu (NM_001345962.2); short protein forms Q261E, Q152E.
Identifiers: ClinVar variation 848356 (VCV000848356.10), dbSNP rs373605348, ClinGen allele CA2990455.